The following is an entry in ClinVar:

ClinVar aggregate classification (germline): Uncertain significance (1 of 4 stars; one submission).

Submission:

Labcorp Genetics (formerly Invitae), Labcorp
Classification: Uncertain significance. Last evaluated: 2025-09-22. Review status: criteria provided, single submitter. Criteria: Invitae Variant Classification Sherloc (09022015). Collection method: clinical testing. Allele origin: germline.
Comment: This sequence change replaces threonine, which is neutral and polar, with lysine, which is basic and polar, at codon 4599 of the HMCN1 protein (p.Thr4599Lys). This variant is present in population databases (no rsID available, gnomAD 0.05%). This variant has not been reported in the literature in individuals affected with HMCN1-related conditions. ClinVar contains an entry for this variant (Variation ID: 3714437). An algorithm developed to predict the effect of missense changes on protein structure and function (PolyPhen-2) suggests that this variant is likely to be tolerated. In summary, the available evidence is currently insufficient to determine the role of this variant in disease. Therefore, it has been classified as a Variant of Uncertain Significance.

NM_031935.3(HMCN1):c.13796C>A (p.Thr4599Lys)

Gene: HMCN1 (hemicentin 1; plus strand). Cytogenetic location: 1q31.1.
Variant type: single nucleotide variant.
Coding change: c.13796C>A on transcript NM_031935.3 (MANE Select); coding-DNA position 13796, C replaced by A.
Protein change: p.Thr4599Lys; replaces threonine 4599 with lysine.
Molecular consequence: missense variant.
Genome position (GRCh38, 1-based): chr1:186,137,844, C>A. VCF-style: chr1-186137844-C-A. GRCh37 (hg19) VCF-style: chr1-186106976-C-A.
Other names: short protein forms T4599K.
Identifiers: ClinVar variation 3714437 (VCV003714437.2).